The following is an entry in ClinVar:

ClinVar aggregate classification (germline): Uncertain significance (1 of 4 stars; one submission).

Conditions:
H syndrome. Also called: Asrar Facharzt Haque syndrome; HISTIOCYTOSIS AND LYMPHADENOPATHY WITH OR WITHOUT CUTANEOUS, CARDIAC, AND/OR ENDOCRINE FEATURES, JOINT CONTRACTURES, AND/OR DEAFNESS; HYPERPIGMENTATION, CUTANEOUS, WITH HYPERTRICHOSIS, HEPATOSPLENOMEGALY, HEART ANOMALIES, AND HYPOGONADISM WITH OR WITHOUT HEARING LOSS; PIGMENTED HYPERTRICHOSIS WITH INSULIN-DEPENDENT DIABETES MELLITUS; ROSAI-DORFMAN DISEASE, FAMILIAL; SINUS HISTIOCYTOSIS AND MASSIVE LYMPHADENOPATHY. Identifiers: Orphanet 168569, MedGen C1864445, MONDO:0011273, OMIM 602782.

Submission:

Labcorp Genetics (formerly Invitae), Labcorp
Classification: Uncertain significance for H syndrome. Last evaluated: 2022-07-12. Review status: criteria provided, single submitter. Criteria: Invitae Variant Classification Sherloc (09022015). Collection method: clinical testing. Allele origin: germline.
Comment: This sequence change replaces glutamic acid, which is acidic and polar, with alanine, which is neutral and non-polar, at codon 104 of the SLC29A3 protein (p.Glu104Ala). In summary, the available evidence is currently insufficient to determine the role of this variant in disease. Therefore, it has been classified as a Variant of Uncertain Significance. Algorithms developed to predict the effect of missense changes on protein structure and function are either unavailable or do not agree on the potential impact of this missense change (SIFT: "Tolerated"; PolyPhen-2: "Probably Damaging"; Align-GVGD: "Class C0"). This variant has not been reported in the literature in individuals affected with SLC29A3-related conditions. This variant is not present in population databases (gnomAD no frequency).

NM_018344.6(SLC29A3):c.311A>C (p.Glu104Ala)

Genes: SLC29A3 (solute carrier family 29 member 3; plus strand), LOC105378353 (uncharacterized LOC105378353; minus strand). Cytogenetic location: 10q22.1.
Variant type: single nucleotide variant.
Coding change: c.311A>C on transcript NM_018344.6 (MANE Select); coding-DNA position 311, A replaced by C.
Protein change: p.Glu104Ala; replaces glutamic acid 104 with alanine.
Molecular consequence: missense variant.
Genome position (GRCh38, 1-based): chr10:71,344,219, A>C. VCF-style: chr10-71344219-A-C. GRCh37 (hg19) VCF-style: chr10-73103976-A-C.
Other names: c.311A>C, p.Glu104Ala (NM_001174098.2); c.77A>C, p.Glu26Ala (NM_001363518.2); short protein forms E26A, E104A.
Identifiers: ClinVar variation 2052016 (VCV002052016.4), dbSNP rs2492435225, ClinGen allele CA377129539.